The following is an entry in ClinVar:

NM_020297.4(ABCC9):c.1320+10T>C

Gene: ABCC9 (ATP binding cassette subfamily C member 9; minus strand). Cytogenetic location: 12p12.1.
Variant type: single nucleotide variant.
Coding change: c.1320+10T>C on transcript NM_020297.4 (MANE Select); 10 bases into the intron after coding-DNA position 1320, T replaced by C.
Molecular consequence: intron variant.
Genome position (GRCh38, 1-based): chr12:21,910,147, A>G on the plus strand (T>C on the coding strand, the complement: ABCC9 is on the minus strand). VCF-style: chr12-21910147-A-G. GRCh37 (hg19) VCF-style: chr12-22063081-A-G.
Other names: p.?; c.1320+10T>C (NM_005691.3, NM_005691.4, NM_001377273.1); c.456+10T>C (NM_001377274.1).
Identifiers: ClinVar variation 2059175 (VCV002059175.5), dbSNP rs1314655363, ClinGen allele CA603667396.
Genomic context (GRCh38, chr12:21,910,147, plus strand): 5'-AAATACATTACTGCTTTTTTTGTTTTATTTCCTCTGCAGACAAAAATCTTACTTATATTT[A>G]TCTACCTACCTGAACAGGCATAGCCCATAGATTGGGACACAGGAACAAAAACCACATGAG-3'

ClinVar aggregate classification (germline): Likely benign. Review status: criteria provided, multiple submitters, no conflicts (2 of 4 stars). 2 submissions from 2 submitters: Likely benign (2). Last evaluated 2025-12-22.

Conditions:
Dilated cardiomyopathy 1O (CMD1O). Also called: CARDIOMYOPATHY, DILATED, WITH VENTRICULAR TACHYCARDIA. Identifiers: Orphanet 154, MedGen C1837839, MONDO:0012062, OMIM 608569.

Allele frequency attached by ClinVar (database versions not stated): TOPMed below 0.00001; gnomAD exomes 0.00001.

Submissions (2):

Labcorp Genetics (formerly Invitae), Labcorp
Classification: Likely benign for Dilated cardiomyopathy 1O. Last evaluated: 2025-12-22. Review status: criteria provided, single submitter. Criteria: Invitae Variant Classification Sherloc (09022015). Collection method: clinical testing. Allele origin: germline.

Mayo Clinic Laboratories, Mayo Clinic
Classification: Likely benign. Last evaluated: 2025-11-22. Review status: criteria provided, single submitter. Criteria: ACMG Guidelines, 2015. Collection method: clinical testing. Allele origin: germline. Observed: 1 variant allele.
Comment: BP4, BP7, PM2_supporting